The following is an entry in ClinVar:

NM_003919.3(SGCE):c.547T>C (p.Phe183Leu)

Genes: CASD1 (CAS1 domain sialic acid O acetyltransferase 1; plus strand), SGCE (sarcoglycan epsilon; minus strand). Cytogenetic location: 7q21.3.
Variant type: single nucleotide variant.
Coding change: c.547T>C on transcript NM_003919.3 (MANE Select); coding-DNA position 547, T replaced by C.
Protein change: p.Phe183Leu; replaces phenylalanine 183 with leucine.
Molecular consequence: missense variant.
Genome position (GRCh38, 1-based): chr7:94,618,873, A>G on the plus strand (T>C on the coding strand, the complement: SGCE is on the minus strand). VCF-style: chr7-94618873-A-G. GRCh37 (hg19) VCF-style: chr7-94248185-A-G.
Other names: c.547T>C, p.Phe183Leu (NM_001099400.2, NM_001099401.2, NM_001346717.2); c.424T>C, p.Phe142Leu (NM_001301139.2, NM_001362809.2); c.655T>C, p.Phe219Leu (NM_001346713.2, NM_001346715.2); c.460T>C, p.Phe154Leu (NM_001346719.2, NM_001362807.2); c.274T>C, p.Phe92Leu (NM_001346720.2, NM_001362808.2); short protein forms F142L, F154L, F183L, F219L, F92L.
Identifiers: ClinVar variation 1429589 (VCV001429589.6), dbSNP rs1003818215, ClinGen allele CA162935300.

ClinVar aggregate classification (germline): Uncertain significance (1 of 4 stars; one submission).

Conditions:
Myoclonic dystonia 11 (DYT11). Also called: Myoclonic dystonia; Dystonia 11; Dystonia, alcohol responsive; Hereditary essential myoclonus; SGCE Myoclonus-Dystonia; Myoclonus-Dystonia. Identifiers: Orphanet 36899, MedGen C1834570, MONDO:0008044, OMIM 159900.

Allele frequency attached by ClinVar (database versions not stated): gnomAD exomes below 0.00001; gnomAD 0.00001.
gnomAD v4.1: 2 of 1,613,946 alleles (0.00012%); highest among the groups gnomAD compares: Middle Eastern, 0.016%; no homozygotes.

Submission:

Labcorp Genetics (formerly Invitae), Labcorp
Classification: Uncertain significance for Myoclonic dystonia 11. Last evaluated: 2026-01-07. Review status: criteria provided, single submitter. Criteria: Invitae Variant Classification Sherloc (09022015). Collection method: clinical testing. Allele origin: germline.
Comment: This sequence change replaces phenylalanine, which is neutral and non-polar, with leucine, which is neutral and non-polar, at codon 183 of the SGCE protein (p.Phe183Leu). This variant is not present in population databases (gnomAD no frequency). This variant has not been reported in the literature in individuals affected with SGCE-related conditions. ClinVar contains an entry for this variant (Variation ID: 1429589). Invitae Evidence Modeling of protein sequence and biophysical properties (such as structural, functional, and spatial information, amino acid conservation, physicochemical variation, residue mobility, and thermodynamic stability) indicates that this missense variant is not expected to disrupt SGCE protein function with a negative predictive value of 80%. In summary, the available evidence is currently insufficient to determine the role of this variant in disease. Therefore, it has been classified as a Variant of Uncertain Significance.